The following is an entry in ClinVar:

ClinVar aggregate classification (germline): Likely benign. Review status: criteria provided, single submitter (1 of 4 stars). 2 submissions from 2 submitters: Likely benign (1). 1 of the submissions does not count toward it. Last evaluated 2026-01-30.

Conditions:
Kabuki syndrome. Also called: Kabuki make-up syndrome; NIIKAWA-KUROKI SYNDROME. Identifiers: Orphanet 2322, MedGen C0796004, MONDO:0016512.
KMT2D-related disorder. Also called: KMT2D-Related Disorders.

Allele frequency attached by ClinVar (database versions not stated): gnomAD exomes 0.00001 and 0.00006; ExAC 0.00003; gnomAD 0.00006; TOPMed 0.00012.
gnomAD v4.1: 28 of 1,603,530 alleles (0.0017%); highest among the groups gnomAD compares: Admixed American, 0.042%; no homozygotes.

Submissions (2):

Labcorp Genetics (formerly Invitae), Labcorp
Classification: Likely benign for Kabuki syndrome. Last evaluated: 2026-01-30. Review status: criteria provided, single submitter. Criteria: Invitae Variant Classification Sherloc (09022015). Collection method: clinical testing. Allele origin: germline.

PreventionGenetics, part of Exact Sciences
Classification: Likely benign for KMT2D-related condition. Last evaluated: 2024-09-23. Review status: no assertion criteria provided. Collection method: clinical testing. Allele origin: germline. Not counted in ClinVar's aggregate classification.
Comment: This variant is classified as likely benign based on ACMG/AMP sequence variant interpretation guidelines (Richards et al. 2015 PMID: 25741868, with internal and published modifications).

NM_003482.4(KMT2D):c.1768A>G (p.Met590Val)

Gene: KMT2D (lysine methyltransferase 2D; minus strand). Cytogenetic location: 12q13.12.
Variant type: single nucleotide variant.
Coding change: c.1768A>G on transcript NM_003482.4 (MANE Select); coding-DNA position 1768, A replaced by G.
Protein change: p.Met590Val; replaces methionine 590 with valine.
Molecular consequence: missense variant.
Genome position (GRCh38, 1-based): chr12:49,051,915, T>C on the plus strand (A>G on the coding strand, the complement: KMT2D is on the minus strand). VCF-style: chr12-49051915-T-C. GRCh37 (hg19) VCF-style: chr12-49445698-T-C.
Other names: c.1768A>G (NM_003482.3); short protein forms M590V.
Identifiers: ClinVar variation 1658377 (VCV001658377.9), dbSNP rs769928294, ClinGen allele CA6548422.
Genomic context (GRCh38, chr12:49,051,915, plus strand): 5'-GGGACAGAGGAGACTCTTCAAATGGTGGGAACAGACGAGATGCCTCCGGTGGTGGAGACA[T>C]GGGTGACTCTTCAGGTGGAGGGGACATGGGTGACTCCTCAGGTGGTGGAGACAGGCGAGA-3'
Protein context (NP_003473.3, residues 580-600): PMSPPPEESP[Met590Val]SPPPEASRLF